The following is an entry in ClinVar:

NM_207122.2(EXT2):c.1761G>A (p.Thr587=)

Gene: EXT2 (exostosin glycosyltransferase 2; plus strand). Cytogenetic location: 11p11.2.
Variant type: single nucleotide variant.
Coding change: c.1761G>A on transcript NM_207122.2 (MANE Select); coding-DNA position 1761, G replaced by A.
Protein change: p.Thr587=; no amino-acid change (threonine 587 retained).
Molecular consequence: synonymous variant.
Genome position (GRCh38, 1-based): chr11:44,232,451, G>A. VCF-style: chr11-44232451-G-A. GRCh37 (hg19) VCF-style: chr11-44254001-G-A.
Other names: p.Thr587=; c.1860G>A, p.Thr620= (NM_000401.3); c.1791G>A, p.Thr597= (NM_001178083.3); c.1761G>A, p.Thr587= (NM_001389628.1, NM_001389630.1).
Identifiers: ClinVar variation 304591 (VCV000304591.19), dbSNP rs16937864, ClinGen allele CA5955344.
Genomic context (GRCh38, chr11:44,232,451, plus strand): 5'-GGGTCGTCTGCATCTCTGGGACCATGAGATGAATAAGTGGAAGTATGAGTCTGAGTGGAC[G>A]AATGAAGTGTCCATGGTGCTCACTGGGGCAGCTTTTTATCACAAGGTAAGGGGGCGCAGT-3'
Protein context (NP_997005.1, residues 577-597): MNKWKYESEW[Thr587=]NEVSMVLTGA

ClinVar aggregate classification (germline): Benign/Likely benign. Review status: criteria provided, multiple submitters, no conflicts (2 of 4 stars). 6 submissions from 5 submitters: Benign (3); Likely benign (3). Last evaluated 2026-02-01.

Conditions:
Exostoses, multiple, type 1 (EXT1). Also called: Hereditary Multiple Osteochondromatosis, Type I; EXOSTOSES, MULTIPLE, TYPE I. Identifiers: MedGen CN263289, MONDO:0007585, OMIM 133700.
Exostoses, multiple, type 2 (EXT2). Also called: Hereditary Multiple Osteochondromatosis, Type II; EXOSTOSES, MULTIPLE, TYPE II. Identifiers: Orphanet 321, MedGen C1851413, MONDO:0007586, OMIM 133701.

Allele frequency attached by ClinVar (database versions not stated): gnomAD exomes 0.00140 and 0.00334; ExAC 0.00397; 1000 Genomes Project 0.01098; 1000 Genomes Project 30x 0.01202; gnomAD 0.01303; ESP Exome Variant Server 0.01430; TOPMed 0.01458.
gnomAD v4.1: 4,172 of 1,614,024 alleles (0.26%); highest among the groups gnomAD compares: African/African-American, 4.6%; 84 homozygotes.

Submissions (6):

Labcorp Genetics (formerly Invitae), Labcorp
Classification: Benign for Exostoses, multiple, type 2. Last evaluated: 2026-02-01. Review status: criteria provided, single submitter. Criteria: Invitae Variant Classification Sherloc (09022015). Collection method: clinical testing. Allele origin: germline.

KCCC/NGS Laboratory, Kuwait Cancer Control Center
Classification: Benign for Exostoses, multiple, type 2. Last evaluated: 2025-02-01. Review status: criteria provided, single submitter. Criteria: ACMG Guidelines, 2015. Collection method: clinical testing. Allele origin: germline. Affected: no.

Mayo Clinic Laboratories, Mayo Clinic
Classification: Benign. Last evaluated: 2024-05-02. Review status: criteria provided, single submitter. Criteria: ACMG Guidelines, 2015. Collection method: clinical testing. Allele origin: germline. Observed: 4 variant alleles.
Comment: BS1, BS2, BP4, BP7

KCCC/NGS Laboratory, Kuwait Cancer Control Center
Classification: Likely benign for Exostoses, multiple, type 1. Last evaluated: 2023-07-07. Review status: criteria provided, single submitter. Criteria: ACMG Guidelines, 2015. Collection method: clinical testing. Allele origin: germline. Affected: yes.

Illumina Laboratory Services, Illumina
Classification: Likely benign for Exostoses, multiple, type 2. Last evaluated: 2017-04-27. Review status: criteria provided, single submitter. Criteria: ICSL Variant Classification Criteria 13 December 2019. Collection method: clinical testing. Allele origin: germline.
Comment: This variant was observed as part of a predisposition screen in an ostensibly healthy population. A literature search was performed for the gene, cDNA change, and amino acid change (where applicable). No publications were found based on this search. Allele frequency data from public databases allowed determination this variant is unlikely to cause disease. Therefore, this variant is classified as likely benign.

Breakthrough Genomics
Classification: Likely benign. Review status: criteria provided, single submitter. Criteria: ACMG Guidelines, 2015. Collection method: not provided. Allele origin: germline. Inheritance: Autosomal recessive inheritance. Affected: yes.